The following is an entry in ClinVar:

NM_001288705.3(CSF1R):c.268C>A (p.Pro90Thr)

Gene: CSF1R (colony stimulating factor 1 receptor; minus strand). Cytogenetic location: 5q32.
Variant type: single nucleotide variant.
Coding change: c.268C>A on transcript NM_001288705.3 (MANE Select); coding-DNA position 268, C replaced by A.
Protein change: p.Pro90Thr; replaces proline 90 with threonine.
Molecular consequence: missense variant. On other transcripts: 5 prime UTR variant (1), non-coding transcript variant (2).
Genome position (GRCh38, 1-based): chr5:150,080,806, G>T on the plus strand (C>A on the coding strand, the complement: CSF1R is on the minus strand). VCF-style: chr5-150080806-G-T. GRCh37 (hg19) VCF-style: chr5-149460369-G-T.
Other names: p.Pro90Thr; c.268C>A, p.Pro90Thr (NM_001349736.2, NM_001375320.1, NM_005211.4); c.-177C>A (NM_001375321.1); short protein forms P90T.
Identifiers: ClinVar variation 352173 (VCV000352173.23), dbSNP rs150475750, ClinGen allele CA3507234.
Genomic context (GRCh38, chr5:150,080,806, plus strand): 5'-GAGGAGGCTCAGACTCCTCACCTTTGACATAGAGGTGGATGGCGGCGCTGCCTCCCAGGG[G>T]GTCTCCAGGCTCAGTGCAGCGATAGGTCCCCGTGTTTTGGAAGGTAGCGTTGTTGGTGCT-3'
Protein context (NP_001275634.1, residues 80-100): GTYRCTEPGD[Pro90Thr]LGGSAAIHLY

ClinVar aggregate classification (germline): Benign/Likely benign. Review status: criteria provided, multiple submitters, no conflicts (2 of 4 stars). 7 submissions from 7 submitters: Benign (4); Likely benign (1). 2 of the submissions do not count toward it. Last evaluated 2026-01-20.

Conditions:
Hereditary diffuse leukoencephalopathy with spheroids. Also called: LEUKOENCEPHALOPATHY, ADULT-ONSET, WITH AXONAL SPHEROIDS AND PIGMENTED GLIA. Identifiers: Orphanet 313808, MedGen C3711381, MONDO:0030796.

Allele frequency attached by ClinVar (database versions not stated): gnomAD exomes 0.00056; ExAC 0.00070; gnomAD 0.00185 and 0.00198; ESP Exome Variant Server 0.00192; TOPMed 0.00225; 1000 Genomes Project 0.00280; 1000 Genomes Project 30x 0.00312.
gnomAD v4.1: 655 of 1,614,144 alleles (0.041%); highest among the groups gnomAD compares: African/African-American, 0.66%; 3 homozygotes.

Submissions (7):

Labcorp Genetics (formerly Invitae), Labcorp
Classification: Benign. Last evaluated: 2026-01-20. Review status: criteria provided, single submitter. Criteria: Invitae Variant Classification Sherloc (09022015). Collection method: clinical testing. Allele origin: germline.

CeGaT Center for Human Genetics Tuebingen
Classification: Benign. Last evaluated: 2026-01-01. Review status: criteria provided, single submitter. Criteria: CeGaT Center For Human Genetics Tuebingen Variant Classification Criteria Version 2. Collection method: clinical testing. Allele origin: germline. Affected: yes. Observed: 1 variant allele.
Comment: CSF1R: BP4, BS1, BS2

Mayo Clinic Laboratories, Mayo Clinic
Classification: Benign. Last evaluated: 2025-01-21. Review status: criteria provided, single submitter. Criteria: ACMG Guidelines, 2015. Collection method: clinical testing. Allele origin: germline. Observed: 2 variant alleles.
Comment: BA1

Blueprint Genetics
Classification: Likely benign. Last evaluated: 2024-11-14. Review status: criteria provided, single submitter. Criteria: ACMG Guidelines, 2015. Collection method: clinical testing. Allele origin: germline.

Illumina Laboratory Services, Illumina
Classification: Benign for Leukoencephalopathy, diffuse hereditary, with spheroids 1. Last evaluated: 2018-01-12. Review status: criteria provided, single submitter. Criteria: ICSL Variant Classification Criteria 13 December 2019. Collection method: clinical testing. Allele origin: germline.
Comment: This variant was observed in the ICSL laboratory as part of a predisposition screen in an ostensibly healthy population. It had not been previously curated by ICSL or reported in the Human Gene Mutation Database (HGMD: prior to June 1st, 2018), and was therefore a candidate for classification through an automated scoring system. Utilizing variant allele frequency, disease prevalence and penetrance estimates, and inheritance mode, an automated score was calculated to assess if this variant is too frequent to cause the disease. Based on the score and internal cut-off values, a variant classified as benign is not then subjected to further curation. The score for this variant resulted in a classification of benign for this disease.

Clinical Genetics DNA and cytogenetics Diagnostics Lab, Erasmus MC, Erasmus Medical Center
Classification: Likely benign. Review status: no assertion criteria provided. Collection method: clinical testing. Allele origin: germline. Affected: yes. Study: VKGL Data-share Consensus. Not counted in ClinVar's aggregate classification.

Genome Diagnostics Laboratory, Amsterdam University Medical Center
Classification: Likely benign. Review status: no assertion criteria provided. Collection method: clinical testing. Allele origin: germline. Affected: yes. Study: VKGL Data-share Consensus. Not counted in ClinVar's aggregate classification.